The following is an entry in ClinVar:

ClinVar aggregate classification (germline): Uncertain significance (1 of 4 stars; one submission).

Conditions:
Charcot-Marie-Tooth disease type 4. Also called: Charcot-Marie-Tooth disease, type IV; Charcot-Marie-Tooth, Type 4. Identifiers: Orphanet 64749, MedGen C4082197, MONDO:0018995.

Allele frequency attached by ClinVar (database versions not stated): ExAC 0.00001; gnomAD exomes 0.00001.
gnomAD v4.1: 10 of 1,614,162 alleles (0.00062%); highest among the groups gnomAD compares: South Asian, 0.0011%; no homozygotes.

Submission:

Labcorp Genetics (formerly Invitae), Labcorp
Classification: Uncertain significance for Charcot-Marie-Tooth disease type 4. Last evaluated: 2022-04-11. Review status: criteria provided, single submitter. Criteria: Invitae Variant Classification Sherloc (09022015). Collection method: clinical testing. Allele origin: germline.
Comment: This variant is present in population databases (rs748363778, gnomAD 0.003%). This sequence change replaces proline, which is neutral and non-polar, with leucine, which is neutral and non-polar, at codon 671 of the FGD4 protein (p.Pro671Leu). This variant has not been reported in the literature in individuals affected with FGD4-related conditions. Algorithms developed to predict the effect of missense changes on protein structure and function (SIFT, PolyPhen-2, Align-GVGD) all suggest that this variant is likely to be disruptive. In summary, the available evidence is currently insufficient to determine the role of this variant in disease. Therefore, it has been classified as a Variant of Uncertain Significance.

NM_001370298.3(FGD4):c.2423C>T (p.Pro808Leu)

Gene: FGD4 (FYVE, RhoGEF and PH domain containing 4; plus strand). Cytogenetic location: 12p11.21.
Variant type: single nucleotide variant.
Coding change: c.2423C>T on transcript NM_001370298.3 (MANE Select); coding-DNA position 2423, C replaced by T.
Protein change: p.Pro808Leu; replaces proline 808 with leucine.
Molecular consequence: missense variant.
Genome position (GRCh38, 1-based): chr12:32,638,764, C>T. VCF-style: chr12-32638764-C-T. GRCh37 (hg19) VCF-style: chr12-32791698-C-T.
Other names: c.2267C>T, p.Pro756Leu (NM_001304481.2); c.1268C>T, p.Pro423Leu (NM_001304483.2); c.980C>T, p.Pro327Leu (NM_001304484.2); c.1733C>T, p.Pro578Leu (NM_001330373.2, NM_001330374.2, NM_001384130.1); c.1460C>T, p.Pro487Leu (NM_001370297.1); c.2423C>T, p.Pro808Leu (NM_001384126.1); c.2012C>T, p.Pro671Leu (NM_001384127.1, NM_001384128.1, NM_001385118.1 and 1 more transcripts); short protein forms P327L, P423L, P487L, P578L, P671L, P756L, P808L.
Identifiers: ClinVar variation 2414189 (VCV002414189.6), dbSNP rs748363778, ClinGen allele CA6507062.